The following is an entry in ClinVar:

NM_018248.3(NEIL3):c.1558G>A (p.Gly520Arg)

Genes: NEIL3 (nei like DNA glycosylase 3; plus strand), NEIL3-AS1 (NEIL3 antisense RNA 1; minus strand). Cytogenetic location: 4q34.3.
Variant type: single nucleotide variant.
Coding change: c.1558G>A on transcript NM_018248.3 (MANE Select); coding-DNA position 1558, G replaced by A.
Protein change: p.Gly520Arg; replaces glycine 520 with arginine.
Molecular consequence: missense variant.
Genome position (GRCh38, 1-based): chr4:177,360,600, G>A. VCF-style: chr4-177360600-G-A. GRCh37 (hg19) VCF-style: chr4-178281754-G-A.
Other names: short protein forms G520R.
Identifiers: ClinVar variation 2688524 (VCV002688524.2), dbSNP rs1876268, ClinGen allele CA3146593.

ClinVar aggregate classification (germline): Benign (1 of 4 stars; one submission).

Allele frequency attached by ClinVar (database versions not stated): 1000 Genomes Project 30x 0.92895; 1000 Genomes Project 0.93191; TOPMed 0.94818; ESP Exome Variant Server 0.94918; gnomAD 0.95030; ExAC 0.95388; gnomAD exomes 0.96159.
gnomAD v4.1: 1,550,397 of 1,613,978 alleles (96%); highest among the groups gnomAD compares: East Asian, 99%; 745,037 homozygotes.

Submission:

Unidad de Genómica Garrahan, Hospital de Pediatría Garrahan
Classification: Benign. Last evaluated: 2024-01-24. Review status: criteria provided, single submitter. Criteria: ACMG Guidelines, 2015. Collection method: clinical testing. Allele origin: germline. Affected: no. Observed: 88 variant alleles.
Comment: This variant is classified as Benign based on local population frequency. This variant was detected in 100% of patients studied by a panel of primary immunodeficiencies. Number of patients: 88. Only high quality variants are reported.